The following is an entry in ClinVar:

NM_001363.5(DKC1):c.568G>A (p.Val190Ile)

Gene: DKC1 (dyskerin pseudouridine synthase 1; plus strand). Cytogenetic location: Xq28.
Variant type: single nucleotide variant.
Coding change: c.568G>A on transcript NM_001363.5 (MANE Select); coding-DNA position 568, G replaced by A.
Protein change: p.Val190Ile; replaces valine 190 with isoleucine.
Molecular consequence: missense variant. On other transcripts: non-coding transcript variant (3).
Genome position (GRCh38, 1-based): chrX:154,767,310, G>A. VCF-style: chrX-154767310-G-A. GRCh37 (hg19) VCF-style: chrX-153995585-G-A.
Other names: c.568G>A, p.Val190Ile (NM_001142463.3, NM_001288747.2); short protein forms V190I.
Identifiers: ClinVar variation 1005017 (VCV001005017.6), dbSNP rs2071758363, ClinGen allele CA414890221.

ClinVar aggregate classification (germline): Uncertain significance (1 of 4 stars; one submission).

Conditions:
Dyskeratosis congenita. Identifiers: Orphanet 1775, MedGen C0265965, MONDO:0015780.

Submission:

Labcorp Genetics (formerly Invitae), Labcorp
Classification: Uncertain significance for Dyskeratosis congenita. Last evaluated: 2022-11-08. Review status: criteria provided, single submitter. Criteria: Invitae Variant Classification Sherloc (09022015). Collection method: clinical testing. Allele origin: germline.
Comment: Advanced modeling of protein sequence and biophysical properties (such as structural, functional, and spatial information, amino acid conservation, physicochemical variation, residue mobility, and thermodynamic stability) performed at Invitae indicates that this missense variant is expected to disrupt DKC1 protein function. In summary, the available evidence is currently insufficient to determine the role of this variant in disease. Therefore, it has been classified as a Variant of Uncertain Significance. ClinVar contains an entry for this variant (Variation ID: 1005017). This variant has not been reported in the literature in individuals affected with DKC1-related conditions. This variant is not present in population databases (gnomAD no frequency). This sequence change replaces valine, which is neutral and non-polar, with isoleucine, which is neutral and non-polar, at codon 190 of the DKC1 protein (p.Val190Ile).